The following is an entry in ClinVar:

NM_000875.5(IGF1R):c.1829-2A>G

Gene: IGF1R (insulin like growth factor 1 receptor; plus strand). Cytogenetic location: 15q26.3.
Variant type: single nucleotide variant.
Coding change: c.1829-2A>G on transcript NM_000875.5 (MANE Select); the canonical splice acceptor site of the intron before coding-DNA position 1829, A replaced by G.
Molecular consequence: splice acceptor variant.
Genome position (GRCh38, 1-based): chr15:98,915,962, A>G. VCF-style: chr15-98915962-A-G. GRCh37 (hg19) VCF-style: chr15-99459191-A-G.
Other names: c.1829-2A>G (NM_001291858.2).
Identifiers: ClinVar variation 4293164 (VCV004293164.1).

ClinVar aggregate classification (germline): Likely pathogenic (1 of 4 stars; one submission).

Conditions:
Growth delay due to insulin-like growth factor I resistance. Also called: Insulin-Like Growth Factor I Resistance; Somatomedin end-organ insensitivity to; Somatomedin-c resistance to; IGF-1 resistance; IGF-I RESISTANCE. Identifiers: Orphanet 73273, MedGen C1849157, MONDO:0010038, OMIM 270450.

Submission:

3billion
Classification: Likely pathogenic for Growth delay due to insulin-like growth factor I resistance. Last evaluated: 2024-11-01. Review status: criteria provided, single submitter. Criteria: ACMG Guidelines, 2015. Collection method: clinical testing. Allele origin: germline. Affected: yes.
Comment: The variant is not observed in the gnomAD v4.1.0 dataset. Predicted Consequence/Location: Canonical splice site: predicted to alter splicing and result in a loss or disruption of normal protein function. Multiple pathogenic loss-of-function variants are reported downstream of the variant. In silico tools predict the variant to alter splicing and produce an abnormal transcript [SpliceAI: 0.98 (spliceogenicity >=0.2, non-spliceogenicity <0.1)]. Therefore, this variant is classified as Likely pathogenic according to the recommendation of ACMG/AMP guideline.